The following is an entry in ClinVar:

NM_003098.3(SNTA1):c.776C>A (p.Ser259Ter)

Gene: SNTA1 (syntrophin alpha 1; minus strand). Cytogenetic location: 20q11.21.
Variant type: single nucleotide variant.
Coding change: c.776C>A on transcript NM_003098.3 (MANE Select); coding-DNA position 776, C replaced by A.
Protein change: p.Ser259Ter; replaces serine 259 with a stop codon.
Molecular consequence: nonsense.
Genome position (GRCh38, 1-based): chr20:33,412,708, G>T on the plus strand (C>A on the coding strand, the complement: SNTA1 is on the minus strand). VCF-style: chr20-33412708-G-T. GRCh37 (hg19) VCF-style: chr20-32000514-G-T.
Other names: c.776C>A, p.Ser259Ter (NM_001424413.1, NM_001424414.1); short protein forms S259*.
Identifiers: ClinVar variation 2890749 (VCV002890749.3), dbSNP rs774643587, ClinGen allele CA408631715.

ClinVar aggregate classification (germline): Uncertain significance (1 of 4 stars; one submission).

Conditions:
Long QT syndrome (LQTS). Identifiers: MedGen C0023976, MeSH D008133, MONDO:0002442. Disease mechanism: loss of function. Inheritance: Various modes of inheritance.

Submission:

Labcorp Genetics (formerly Invitae), Labcorp
Classification: Uncertain significance for Long QT syndrome. Last evaluated: 2022-12-23. Review status: criteria provided, single submitter. Criteria: Invitae Variant Classification Sherloc (09022015). Collection method: clinical testing. Allele origin: germline.
Comment: This sequence change creates a premature translational stop signal (p.Ser259*) in the SNTA1 gene. It is expected to result in an absent or disrupted protein product. However, the current clinical and genetic evidence is not sufficient to establish whether loss-of-function variants in SNTA1 cause disease. This variant is not present in population databases (gnomAD no frequency). This variant has not been reported in the literature in individuals affected with SNTA1-related conditions. In summary, the available evidence is currently insufficient to determine the role of this variant in disease. Therefore, it has been classified as a Variant of Uncertain Significance.